The following is an entry in ClinVar:

ClinVar aggregate classification (germline): Uncertain significance. Review status: criteria provided, multiple submitters, no conflicts (2 of 4 stars). 9 submissions from 9 submitters: Uncertain significance (8). 1 of the submissions does not count toward it. Last evaluated 2025-12-22.

Conditions:
Hereditary cancer-predisposing syndrome. Also called: Hereditary Cancer Syndrome; Hereditary neoplastic syndrome; Tumor predisposition; Neoplastic Syndromes, Hereditary. Identifiers: Orphanet 140162, MedGen C0027672, MeSH D009386, MONDO:0015356.
Multiple endocrine neoplasia, type 2 (MEN2). Identifiers: Orphanet 653, MedGen C4048306, MONDO:0019003. Disease mechanism: gain of function.
Aganglionic megacolon (HSCR). Also called: Hirschsprung's disease; Hirschsprung disease. Identifiers: Orphanet 388, MedGen C0019569, MeSH D006627, MONDO:0018309, HP:0002251.

Allele frequency attached by ClinVar (database versions not stated): gnomAD exomes 0.00001 and 0.00002; ExAC 0.00002.

Submissions (9):

Labcorp Genetics (formerly Invitae), Labcorp
Classification: Uncertain significance for Multiple endocrine neoplasia, type 2. Last evaluated: 2025-12-22. Review status: criteria provided, single submitter. Criteria: Invitae Variant Classification Sherloc (09022015). Collection method: clinical testing. Allele origin: germline.
Comment: This sequence change falls in intron 4 of the RET gene. It does not directly change the encoded amino acid sequence of the RET protein. It affects a nucleotide within the consensus splice site. This variant is present in population databases (rs398124368, gnomAD 0.04%). This variant has not been reported in the literature in individuals affected with RET-related conditions. ClinVar contains an entry for this variant (Variation ID: 95998). Variants that disrupt the consensus splice site are a relatively common cause of aberrant splicing (PMID: 17576681, 9536098). Algorithms developed to predict the effect of sequence changes on RNA splicing suggest that this variant may disrupt the consensus splice site. In summary, the available evidence is currently insufficient to determine the role of this variant in disease. Therefore, it has been classified as a Variant of Uncertain Significance.

Ambry Genetics
Classification: Uncertain significance for Hereditary cancer-predisposing syndrome. Last evaluated: 2025-12-18. Review status: criteria provided, single submitter. Criteria: Ambry Variant Classification Scheme 2023. Collection method: clinical testing. Allele origin: germline.
Comment: The c.867+4delC intronic variant is located 4 nucleotides after coding exon 4 of the RET gene. This variant results from a deletion of one nucleotide at position c.867+4. This nucleotide position is well conserved in available vertebrate species. In silico splice site analysis predicts that this alteration may weaken the native splice donor site. This variant was detected as heterozygous in individual(s) with no reported features of multiple endocrine neoplasia type 2 (MEN2) (Ambry internal data). Based on the supporting evidence, the association of this alteration with an increased risk of RET-related Hirschsprung disease is unknown; however, the association of this alteration with MEN2 is unlikely.

Color Diagnostics, LLC DBA Color Health
Classification: Uncertain significance for Multiple endocrine neoplasia, type 2. Last evaluated: 2025-06-17. Review status: criteria provided, single submitter. Criteria: ACMG Guidelines, 2015. Collection method: clinical testing. Allele origin: germline.
Comment: This variant deletes one nucleotide at the +4 position of intron 4 of the RET gene. To our knowledge, functional studies have not been reported for this variant. This variant has not been reported in individuals affected with RET-related disorders in the literature. This variant has been identified in 4/246174 chromosomes in the general population by the Genome Aggregation Database (gnomAD). The available evidence is insufficient to determine the role of this variant in disease conclusively. Therefore, this variant is classified as a Variant of Uncertain Significance.

All of Us Research Program, National Institutes of Health
Classification: Uncertain significance for Multiple endocrine neoplasia, type 2. Last evaluated: 2023-12-01. Review status: criteria provided, single submitter. Criteria: ACMG Guidelines, 2015. Collection method: clinical testing. Allele origin: germline. Inheritance: Autosomal dominant inheritance. Observed: 6 variant alleles, 6 heterozygotes.
Comment: This variant deletes one nucleotide at the +4 position of intron 4 of the RET gene. To our knowledge, functional studies have not been reported for this variant. This variant has not been reported in individuals affected with RET-related disorders in the literature. This variant has been identified in 4/246174 chromosomes in the general population by the Genome Aggregation Database (gnomAD). The available evidence is insufficient to determine the role of this variant in disease conclusively. Therefore, this variant is classified as a Variant of Uncertain Significance.

This study involves interpretation of variants in research participants for the purpose of population health screening. Participant phenotype was not available at the time of variant classification. Additional details can be found in publication PMID: 35346344, PMCID: PMC8962531

Sema4
Classification: Uncertain significance for Hereditary cancer-predisposing syndrome. Last evaluated: 2021-09-10. Review status: criteria provided, single submitter. Criteria: Sema4 Curation Guidelines. Collection method: curation. Allele origin: germline.
Comment: The RET c.867+4delC variant has not been reported in the literature to our knowledge. It was observed in 4/10006 chromosomes of the Ashkenazi Jewish subpopulation in the large and broad cohorts of the Genome Aggregation Database (PMID: 32461654). The variant has been reported in ClinVar (Variation ID 95998). The evidence is insufficient to meet ACMG/AMP criteria for classifying the variant as benign or pathogenic. Thus, the clinical significance of this variant is currently uncertain.

GeneDx
Classification: Uncertain significance. Last evaluated: 2021-08-02. Review status: criteria provided, single submitter. Criteria: GeneDx Variant Classification Process June 2021. Collection method: clinical testing. Allele origin: germline. Affected: yes.
Comment: In silico analysis supports a deleterious effect on splicing; Not observed at significant frequency in large population cohorts (gnomAD); Has not been previously published as pathogenic or benign to our knowledge

Blueprint Genetics
Classification: Uncertain significance. Last evaluated: 2021-06-30. Review status: criteria provided, single submitter. Criteria: ACMG Guidelines, 2015. Collection method: clinical testing. Allele origin: germline.

Eurofins Ntd Llc (ga)
Classification: Uncertain significance. Last evaluated: 2013-07-25. Review status: criteria provided, single submitter. Criteria: EGL Classification Definitions 2015. Collection method: clinical testing. Allele origin: germline. Observed: 1 variant allele, 1 heterozygote.

Clinical Molecular Genetics Laboratory, Johns Hopkins All Children's Hospital
Classification: Likely benign for Hirschsprung disease. Last evaluated: 2008-08-28. Review status: no assertion criteria provided. Collection method: clinical testing. Allele origin: germline. Affected: yes. Not counted in ClinVar's aggregate classification.

Literature cited by the submitters: PubMed 17576681 (cited by Labcorp Genetics (formerly Invitae), Labcorp); PubMed 9536098 (cited by Labcorp Genetics (formerly Invitae), Labcorp).

NM_020975.6(RET):c.867+4del

Gene: RET (ret proto-oncogene; plus strand). Cytogenetic location: 10q11.21.
Variant type: Deletion.
Coding change: c.867+4del on transcript NM_020975.6 (MANE Select); 4 bases into the intron after coding-DNA position 867, one base deleted (C; older notation c.867+4delC).
Molecular consequence: intron variant.
Genome position (GRCh38, 1-based): chr10:43,105,197, C deleted. VCF-style (leftmost placement, unchanged base first): chr10-43105196-GC-G. GRCh37 (hg19) VCF-style: chr10-43600644-GC-G.
Other names: c.867+4del (NM_020630.7, NM_001406743.1, NM_001406744.1 and 7 more transcripts); c.625+2568del (NM_001406773.1, NM_001406771.1, NM_001406782.1 and 5 more transcripts); c.738+4del (NM_001406764.1, NM_001406762.1, NM_001406761.1 and 2 more transcripts); c.496+2568del (NM_001406786.1, NM_001406783.1); c.579+4del (NM_001406770.1, NM_001406766.1, NM_001406767.1); c.338-3834del (NM_001406778.1, NM_001406775.1, NM_001406776.1 and 1 more transcripts); c.337+4475del (NM_001406790.1, NM_001406788.1, NM_001406789.1 and 1 more transcripts); c.74-3834del (NM_001406784.1); and 2 more.
Identifiers: ClinVar variation 95998 (VCV000095998.24), dbSNP rs398124368, ClinGen allele CA009361.